The following is an entry in ClinVar:

ClinVar aggregate classification (germline): Uncertain significance (1 of 4 stars; one submission).

Conditions:
Kabuki syndrome. Also called: Kabuki make-up syndrome; NIIKAWA-KUROKI SYNDROME. Identifiers: Orphanet 2322, MedGen C0796004, MONDO:0016512.

Allele frequency attached by ClinVar (database versions not stated): gnomAD exomes below 0.00001; ExAC 0.00001; gnomAD 0.00001; TOPMed 0.00001.
gnomAD v4.1: 3 of 1,613,236 alleles (0.00019%); highest among the groups gnomAD compares: African/African-American, 0.0027%; no homozygotes.

Submission:

Labcorp Genetics (formerly Invitae), Labcorp
Classification: Uncertain significance for Kabuki syndrome. Last evaluated: 2025-02-23. Review status: criteria provided, single submitter. Criteria: Invitae Variant Classification Sherloc (09022015). Collection method: clinical testing. Allele origin: germline.
Comment: This sequence change falls in intron 36 of the KMT2D gene. It does not directly change the encoded amino acid sequence of the KMT2D protein. It affects a nucleotide within the consensus splice site. This variant is present in population databases (rs781174279, gnomAD 0.004%). This variant has not been reported in the literature in individuals affected with KMT2D-related conditions. ClinVar contains an entry for this variant (Variation ID: 1488672). Variants that disrupt the consensus splice site are a relatively common cause of aberrant splicing (PMID: 17576681, 9536098). Algorithms developed to predict the effect of sequence changes on RNA splicing suggest that this variant is not likely to affect RNA splicing. In summary, the available evidence is currently insufficient to determine the role of this variant in disease. Therefore, it has been classified as a Variant of Uncertain Significance.

Literature cited by the submitters: PubMed 17576681; PubMed 9536098.

NM_003482.4(KMT2D):c.10440+3A>G

Gene: KMT2D (lysine methyltransferase 2D; minus strand). Cytogenetic location: 12q13.12.
Variant type: single nucleotide variant.
Coding change: c.10440+3A>G on transcript NM_003482.4 (MANE Select); 3 bases into the intron after coding-DNA position 10440, A replaced by G.
Molecular consequence: intron variant.
Genome position (GRCh38, 1-based): chr12:49,034,579, T>C on the plus strand (A>G on the coding strand, the complement: KMT2D is on the minus strand). VCF-style: chr12-49034579-T-C. GRCh37 (hg19) VCF-style: chr12-49428362-T-C.
Identifiers: ClinVar variation 1488672 (VCV001488672.6), dbSNP rs781174279, ClinGen allele CA6546512.